The following is an entry in ClinVar:

ClinVar aggregate classification (germline): Uncertain significance. Review status: criteria provided, multiple submitters, no conflicts (2 of 4 stars). 2 submissions from 2 submitters: Uncertain significance (2). Last evaluated 2026-08-23.

Conditions:
Hereditary cancer-predisposing syndrome. Also called: Neoplastic Syndromes, Hereditary; Hereditary Cancer Syndrome; Tumor predisposition; Hereditary neoplastic syndrome. Identifiers: Orphanet 140162, MedGen C0027672, MeSH D009386, MONDO:0015356.
Hereditary breast ovarian cancer syndrome. Also called: Hereditary breast and ovarian cancer syndrome; Hereditary breast and/or ovarian cancer syndrome; Breast and ovarian cancer; BRCA1- and BRCA2-Associated Hereditary Breast and Ovarian Cancer; Hereditary breast and ovarian cancer; Hereditary breast and ovarian cancer syndrome (HBOC). Identifiers: Orphanet 145, MedGen C0677776, MeSH D061325, MONDO:0003582. Disease mechanism: loss of function.

Allele frequency attached by ClinVar (database versions not stated): gnomAD exomes below 0.00001.
gnomAD v4.1: 2 of 1,501,958 alleles (0.00013%); highest among the groups gnomAD compares: Non-Finnish European, 0.00018%; no homozygotes.

Submissions (2):

Ambry Genetics
Classification: Uncertain significance for Hereditary cancer-predisposing syndrome. Last evaluated: 2026-08-23. Review status: criteria provided, single submitter. Criteria: Ambry Variant Classification Scheme 2023. Collection method: clinical testing. Allele origin: germline.
Comment: The c.6842-3T>C intronic variant results from a T to C substitution 3 nucleotides upstream from coding exon 11 in the BRCA2 gene. This nucleotide position is well conserved in available vertebrate species. In silico splice site analysis for this alteration is inconclusive. Based on the available evidence, the clinical significance of this variant remains unclear.

Labcorp Genetics (formerly Invitae), Labcorp
Classification: Uncertain significance for Hereditary breast ovarian cancer syndrome. Last evaluated: 2019-06-16. Review status: criteria provided, single submitter. Criteria: Invitae Variant Classification Sherloc (09022015). Collection method: clinical testing. Allele origin: germline.
Comment: This variant has not been reported in the literature in individuals with BRCA2-related conditions. Nucleotide substitutions within the consensus splice site are a relatively common cause of aberrant splicing (PMID: 17576681, 9536098). Algorithms developed to predict the effect of sequence changes on RNA splicing suggest that this variant is not likely to affect RNA splicing, but this prediction has not been confirmed by published transcriptional studies. In summary, the available evidence is currently insufficient to determine the role of this variant in disease. Therefore, it has been classified as a Variant of Uncertain Significance. This variant is not present in population databases (ExAC no frequency). This sequence change falls in intron 11 of the BRCA2 gene. It does not directly change the encoded amino acid sequence of the BRCA2 protein, but it affects a nucleotide within the consensus splice site of the intron.

Literature cited by the submitters: PubMed 17576681 (cited by Labcorp Genetics (formerly Invitae), Labcorp); PubMed 9536098 (cited by Labcorp Genetics (formerly Invitae), Labcorp).

NM_000059.4(BRCA2):c.6842-3T>C

Gene: BRCA2 (BRCA2 DNA repair associated; plus strand). Cytogenetic location: 13q13.1.
Variant type: single nucleotide variant.
Coding change: c.6842-3T>C on transcript NM_000059.4 (MANE Select); 3 bases into the intron before coding-DNA position 6842, T replaced by C.
Molecular consequence: intron variant.
Genome position (GRCh38, 1-based): chr13:32,344,555, T>C. VCF-style: chr13-32344555-T-C. GRCh37 (hg19) VCF-style: chr13-32918692-T-C.
Identifiers: ClinVar variation 938836 (VCV000938836.11), dbSNP rs1566236846, ClinGen allele CA1139663146.
Genomic context (GRCh38, chr13:32,344,555, plus strand): 5'-ACTTTTGAGAAATAAAACTGATATTATTTGCCTTAAAAACATATATGAAATATTTCTTTT[T>C]AGGAGAACCCTCAATCAAAAGAAACTTATTAAATGAATTTGACAGGATAATAGAAAATCA-3'